The following is an entry in ClinVar:

NM_177402.5(SYT2):c.178+2dup

Gene: SYT2 (synaptotagmin 2; minus strand). Cytogenetic location: 1q32.1.
Variant type: Duplication.
Coding change: c.178+2dup on transcript NM_177402.5 (MANE Select); the canonical splice donor site of the intron after coding-DNA position 178, one base duplicated (T; older notation c.178+2dupT).
Molecular consequence: splice donor variant.
Genome position (GRCh38, 1-based): chr1:202,605,593, A duplicated on the plus strand (T on the coding strand, the reverse complement: SYT2 is on the minus strand). VCF-style (leftmost placement, unchanged base first): chr1-202605592-C-CA. GRCh37 (hg19) VCF-style: chr1-202574720-C-CA.
Other names: c.178+2dup (NM_001136504.1).
Identifiers: ClinVar variation 2103276 (VCV002103276.4), dbSNP rs2526995861, ClinGen allele CA2580061903.

ClinVar aggregate classification (germline): Uncertain significance (1 of 4 stars; one submission).

Submission:

Labcorp Genetics (formerly Invitae), Labcorp
Classification: Uncertain significance. Last evaluated: 2022-02-25. Review status: criteria provided, single submitter. Criteria: Invitae Variant Classification Sherloc (09022015). Collection method: clinical testing. Allele origin: germline.
Comment: In summary, the available evidence is currently insufficient to determine the role of this variant in disease. Therefore, it has been classified as a Variant of Uncertain Significance. Variants that disrupt the consensus splice site are a relatively common cause of aberrant splicing (PMID: 17576681, 9536098). Algorithms developed to predict the effect of sequence changes on RNA splicing suggest that this variant may disrupt the consensus splice site. This variant has not been reported in the literature in individuals affected with SYT2-related conditions. This variant is not present in population databases (gnomAD no frequency). This sequence change falls in intron 2 of the SYT2 gene. It does not directly change the encoded amino acid sequence of the SYT2 protein. It affects a nucleotide within the consensus splice site.

Literature cited by the submitters: PubMed 17576681; PubMed 9536098.